The following is an entry in ClinVar:

NM_001031679.3(MSRB3):c.383G>A (p.Cys128Tyr)

Gene: MSRB3 (methionine sulfoxide reductase B3; plus strand). Cytogenetic location: 12q14.3.
Variant type: single nucleotide variant.
Coding change: c.383G>A on transcript NM_001031679.3 (MANE Select); coding-DNA position 383, G replaced by A.
Protein change: p.Cys128Tyr; replaces cysteine 128 with tyrosine.
Molecular consequence: missense variant.
Genome position (GRCh38, 1-based): chr12:65,453,818, G>A. VCF-style: chr12-65453818-G-A. GRCh37 (hg19) VCF-style: chr12-65847598-G-A.
Other names: c.383G>A, p.Cys128Tyr (NM_001193460.2, NM_001193461.2); c.404G>A, p.Cys135Tyr (NM_198080.4); short protein forms C128Y, C135Y.
Identifiers: ClinVar variation 1709363 (VCV001709363.2), dbSNP rs1882966980, ClinGen allele CA385677842.

ClinVar aggregate classification (germline): Uncertain significance (1 of 4 stars; one submission).

Conditions:
Autosomal recessive nonsyndromic hearing loss 74. Identifiers: Orphanet 90636, MedGen C2239351, MONDO:0013386, OMIM 613718.

Submission:

MGZ Medical Genetics Center
Classification: Uncertain significance for Autosomal recessive nonsyndromic hearing loss 74. Last evaluated: 2022-05-05. Review status: criteria provided, single submitter. Criteria: ACMG Guidelines, 2015. Collection method: clinical testing. Allele origin: germline. Affected: yes. Observed: 2 variant alleles.
Comment: ACMG criteria applied: PM2_SUP, PP3